The following is an entry in ClinVar:

NM_018124.4(RFWD3):c.1101G>C (p.Met367Ile)

Gene: RFWD3 (ring finger and WD repeat domain 3; minus strand). Cytogenetic location: 16q23.1.
Variant type: single nucleotide variant.
Coding change: c.1101G>C on transcript NM_018124.4 (MANE Select); coding-DNA position 1101, G replaced by C.
Protein change: p.Met367Ile; replaces methionine 367 with isoleucine.
Molecular consequence: missense variant.
Genome position (GRCh38, 1-based): chr16:74,637,949, C>G on the plus strand (G>C on the coding strand, the complement: RFWD3 is on the minus strand). VCF-style: chr16-74637949-C-G. GRCh37 (hg19) VCF-style: chr16-74671847-C-G.
Other names: c.1101G>C, p.Met367Ile (NM_001370534.1, NM_001370535.1, NM_001370536.1); c.267G>C, p.Met89Ile (NM_001370537.1, NM_001370539.1, NM_001370540.1 and 2 more transcripts); short protein forms M367I, M89I.
Identifiers: ClinVar variation 3716818 (VCV003716818.2).

ClinVar aggregate classification (germline): Uncertain significance (1 of 4 stars; one submission).

gnomAD v4.1: 10 of 1,611,266 alleles (0.00062%); highest among the groups gnomAD compares: African/African-American, 0.013%; no homozygotes.

Submission:

Labcorp Genetics (formerly Invitae), Labcorp
Classification: Uncertain significance. Last evaluated: 2024-02-17. Review status: criteria provided, single submitter. Criteria: Invitae Variant Classification Sherloc (09022015). Collection method: clinical testing. Allele origin: germline.
Comment: This sequence change replaces methionine, which is neutral and non-polar, with isoleucine, which is neutral and non-polar, at codon 367 of the RFWD3 protein (p.Met367Ile). This variant is present in population databases (rs755293919, gnomAD 0.01%). This variant has not been reported in the literature in individuals affected with RFWD3-related conditions. An algorithm developed to predict the effect of missense changes on protein structure and function (PolyPhen-2) suggests that this variant is likely to be tolerated. In summary, the available evidence is currently insufficient to determine the role of this variant in disease. Therefore, it has been classified as a Variant of Uncertain Significance.